The following is an entry in ClinVar:

NM_001177316.2(SLC34A3):c.1717_1732del (p.Asn573fs)

Gene: SLC34A3 (solute carrier family 34 member 3; plus strand). Cytogenetic location: 9q34.3.
Variant type: Deletion.
Coding change: c.1717_1732del on transcript NM_001177316.2 (MANE Select); coding-DNA positions 1717 to 1732, 16 bases deleted (AACGTCTGCAGCCCCC).
Protein change: p.Asn573fs; shifts the reading frame from asparagine 573.
Molecular consequence: frameshift variant.
Genome position (GRCh38, 1-based): chr9:137,236,333-137,236,348, AACGTCTGCAGCCCCC deleted; deleting any 16 consecutive bases within chr9:137,236,332-137,236,348 gives the same sequence; the c. name uses the placement nearest the transcript's 3' end. VCF-style (leftmost placement, unchanged base first): chr9-137236331-GCAACGTCTGCAGCCCC-G. GRCh37 (hg19) VCF-style: chr9-140130783-GCAACGTCTGCAGCCCC-G.
Other names: c.1717_1732del, p.Asn573fs (NM_001177317.2, NM_080877.3); short protein forms N573fs.
Identifiers: ClinVar variation 1063602 (VCV001063602.10), dbSNP rs1182218551, ClinGen allele CA861136460.

ClinVar aggregate classification (germline): Uncertain significance (1 of 4 stars; one submission).

Submission:

Labcorp Genetics (formerly Invitae), Labcorp
Classification: Uncertain significance. Last evaluated: 2020-04-11. Review status: criteria provided, single submitter. Criteria: Invitae Variant Classification Sherloc (09022015). Collection method: clinical testing. Allele origin: germline.
Comment: In summary, the available evidence is currently insufficient to determine the role of this variant in disease. Therefore, it has been classified as a Variant of Uncertain Significance. This variant disrupts the C-terminus of the SLC34A3 protein. Other variant(s) that disrupt this region (p.Y588*) have been observed in individuals with SLC34A3-related conditions (PMID: 22387237). This suggests that this may be a clinically significant region of the protein. This variant has been observed in individual(s) with hereditary hypophosphatemic rickets with hypercalciuria (PMID: 31672324). This variant is not present in population databases (ExAC no frequency). This sequence change results in a frameshift in the SLC34A3 gene (p.Asn573Argfs*63). While this is not anticipated to result in nonsense mediated decay, it is expected to disrupt the last 27 amino acids of the SLC34A3 protein and extend the protein by an additional 35 amino acids.

Literature cited by the submitters: PubMed 22387237; PubMed 31672324.